The following is an entry in ClinVar:

NM_003185.4(TAF4):c.522_557del (p.172PG[2])

Gene: TAF4 (TATA-box binding protein associated factor 4; minus strand). Cytogenetic location: 20q13.33.
Variant type: Deletion.
Coding change: c.522_557del on transcript NM_003185.4 (MANE Select); coding-DNA positions 522 to 557, 36 bases deleted.
Protein change: p.172PG[2].
Genome position (GRCh38, 1-based): chr20:62,065,254-62,065,289, 36 bases deleted; deleting any 36 consecutive bases within chr20:62,065,254-62,065,294 gives the same sequence; the c. name uses the placement nearest the transcript's 3' end. GRCh37 (hg19): chr20:60,640,315-60,640,350.
Identifiers: ClinVar variation 3771414 (VCV003771414.13).

ClinVar aggregate classification (germline): Likely benign (1 of 4 stars; one submission).

Submission:

CeGaT Center for Human Genetics Tuebingen
Classification: Likely benign. Last evaluated: 2026-03-01. Review status: criteria provided, single submitter. Criteria: CeGaT Center For Human Genetics Tuebingen Variant Classification Criteria Version 2. Collection method: clinical testing. Allele origin: germline. Affected: yes. Observed: 2 variant alleles.
Comment: TAF4: BP3